The following is an entry in ClinVar:

ClinVar aggregate classification (germline): Conflicting classifications of pathogenicity. Review status: criteria provided, conflicting classifications (1 of 4 stars). 19 submissions from 15 submitters: Uncertain significance (9); Benign (1); Likely benign (6). 3 of the submissions do not count toward it. Last evaluated 2025-11-24.

Conditions:
TTN-related disorder. Also called: TTN-related condition; TTN-related disease; TTN-related disorders.
Dilated cardiomyopathy 1G (CMD1G). Identifiers: Orphanet 154, MedGen C1858763, MONDO:0011400, OMIM 604145.
Autosomal recessive limb-girdle muscular dystrophy type 2J (LGMDR10). Also called: Limb-girdle muscular dystrophy, type 2J; MUSCULAR DYSTROPHY, LIMB-GIRDLE, AUTOSOMAL RECESSIVE 10. Identifiers: Orphanet 140922, MedGen C1837342, MONDO:0012127, OMIM 608807.
Tibial muscular dystrophy (TMD). Also called: Udd Distal Myopathy – Tibial Muscular Dystrophy; UDD MYOPATHY; Tibial muscular dystrophy, tardive. Identifiers: Orphanet 609, MedGen C1838244, MONDO:0010870, OMIM 600334.
Myopathy, myofibrillar, 9, with early respiratory failure (MFM9). Also called: Hereditary myopathy with early respiratory failure; EDSTROM MYOPATHY; MYOPATHY, PROXIMAL, WITH EARLY RESPIRATORY MUSCLE INVOLVEMENT; Myopathy, distal, with early respiratory failure, autosomal dominant. Identifiers: Orphanet 178464, Orphanet 34521, MedGen C1863599, MONDO:0011362, OMIM 603689.
Hypertrophic cardiomyopathy 9. Also called: Familial hypertrophic cardiomyopathy 9. Identifiers: MedGen C1861065, MONDO:0013412, OMIM 613765.
Early-onset myopathy with fatal cardiomyopathy (CMYO5). Also called: CONGENITAL MYOPATHY 5 WITH CARDIOMYOPATHY; Salih Myopathy. Identifiers: Orphanet 289377, MedGen C2673677, MONDO:0012714, OMIM 611705. Disease mechanism: loss of function.
Cardiomyopathy (CMYO). Also called: Cardiomyopathies. Identifiers: Orphanet 167848, MedGen C0878544, MONDO:0004994, HP:0001638. Inheritance: Various modes of inheritance.

Allele frequency attached by ClinVar (database versions not stated): ExAC 0.00008; gnomAD exomes 0.00013 and 0.00034; gnomAD 0.00015 and 0.00017; TOPMed 0.00015; ESP Exome Variant Server 0.00055.
gnomAD v4.1: 527 of 1,613,430 alleles (0.033%); highest among the groups gnomAD compares: Non-Finnish European, 0.042%; 1 homozygote.

Submissions (19):

Women's Health and Genetics/Laboratory Corporation of America, LabCorp
Classification: Likely benign. Last evaluated: 2025-11-24. Review status: criteria provided, single submitter. Criteria: LabCorp Variant Classification Summary - May 2015. Collection method: clinical testing. Allele origin: germline.
Comment: Variant summary: TTN c.22145A>G (p.Asn7382Ser) results in a conservative amino acid change located in the I-band region of the encoded protein sequence. Algorithms developed to predict the effect of missense changes on protein structure and function are either unavailable or do not agree on the potential impact of this missense change. The variant allele was found at a frequency of 0.00033 in 1613430 control chromosomes, including one homozygote, and predominantly at a frequency of 0.00042 within the Non-Finnish European subpopulation in the gnomAD database. The observed variant frequency within Non-Finnish European control individuals in the gnomAD database exceeds the estimated maximal expected allele frequency for disease-causing variants in TTN. To our knowledge, no occurrence of c.22145A>G in individuals affected with TTN-related conditions and no experimental evidence demonstrating its impact on protein function have been reported. ClinVar contains an entry for this variant (Variation ID: 192008). Based on the evidence outlined above, the variant was classified as likely benign.

PreventionGenetics, part of Exact Sciences
Classification: Likely benign for TTN-related condition. Last evaluated: 2025-05-21. Review status: criteria provided, single submitter. Criteria: ACMG Guidelines, 2015. Collection method: clinical testing. Allele origin: germline.
Comment: This variant is classified as likely benign based on ACMG/AMP sequence variant interpretation guidelines (Richards et al. 2015 PMID: 25741868, with internal and published modifications).

Blueprint Genetics
Classification: Likely benign. Last evaluated: 2024-06-13. Review status: criteria provided, single submitter. Criteria: ACMG Guidelines, 2015. Collection method: clinical testing. Allele origin: germline.

CHEO Genetics Diagnostic Laboratory, Children's Hospital of Eastern Ontario
Classification: Likely benign for Cardiomyopathy. Last evaluated: 2023-03-16. Review status: criteria provided, single submitter. Criteria: ACMG Guidelines, 2015. Collection method: clinical testing. Allele origin: germline.

Revvity Omics, Revvity
Classification: Uncertain significance. Last evaluated: 2022-07-11. Review status: criteria provided, single submitter. Criteria: ACMG Guidelines, 2015. Collection method: clinical testing. Allele origin: germline.

GeneDx
Classification: Likely benign. Last evaluated: 2020-11-18. Review status: criteria provided, single submitter. Criteria: GeneDx Variant Classification Process June 2021. Collection method: clinical testing. Allele origin: germline. Affected: yes.

Fulgent Genetics
Classification: Uncertain significance for Tibial muscular dystrophy; Myopathy, myofibrillar, 9, with early respiratory failure; Dilated cardiomyopathy 1G; Autosomal recessive limb-girdle muscular dystrophy type 2J; Early-onset myopathy with fatal cardiomyopathy; Hypertrophic cardiomyopathy 9. Last evaluated: 2018-10-31. Review status: criteria provided, single submitter. Criteria: ACMG Guidelines, 2015. Collection method: clinical testing. Allele origin: unknown.

Athena Diagnostics
Classification: Uncertain significance. Last evaluated: 2018-02-09. Review status: criteria provided, single submitter. Criteria: Athena Diagnostics Criteria. Collection method: clinical testing. Allele origin: germline.

Illumina Laboratory Services, Illumina
Classification: Uncertain significance for Early-onset myopathy with fatal cardiomyopathy. Last evaluated: 2018-01-13. Review status: criteria provided, single submitter. Criteria: ICSL Variant Classification Criteria 13 December 2019. Collection method: clinical testing. Allele origin: germline.

Illumina Laboratory Services, Illumina
Classification: Uncertain significance for Autosomal recessive limb-girdle muscular dystrophy type 2J. Last evaluated: 2018-01-13. Review status: criteria provided, single submitter. Criteria: ICSL Variant Classification Criteria 13 December 2019. Collection method: clinical testing. Allele origin: germline.

Illumina Laboratory Services, Illumina
Classification: Benign for Tibial muscular dystrophy. Last evaluated: 2018-01-13. Review status: criteria provided, single submitter. Criteria: ICSL Variant Classification Criteria 13 December 2019. Collection method: clinical testing. Allele origin: germline.
Comment: This variant was observed in the ICSL laboratory as part of a predisposition screen in an ostensibly healthy population. It had not been previously curated by ICSL or reported in the Human Gene Mutation Database (HGMD: prior to June 1st, 2018), and was therefore a candidate for classification through an automated scoring system. Utilizing variant allele frequency, disease prevalence and penetrance estimates, and inheritance mode, an automated score was calculated to assess if this variant is too frequent to cause the disease. Based on the score and internal cut-off values, a variant classified as benign is not then subjected to further curation. The score for this variant resulted in a classification of benign for this disease.

Illumina Laboratory Services, Illumina
Classification: Uncertain significance for Dilated cardiomyopathy 1G. Last evaluated: 2018-01-13. Review status: criteria provided, single submitter. Criteria: ICSL Variant Classification Criteria 13 December 2019. Collection method: clinical testing. Allele origin: germline.

Illumina Laboratory Services, Illumina
Classification: Likely benign for Myopathy, myofibrillar, 9, with early respiratory failure. Last evaluated: 2018-01-13. Review status: criteria provided, single submitter. Criteria: ICSL Variant Classification Criteria 13 December 2019. Collection method: clinical testing. Allele origin: germline.
Comment: This variant was observed in the ICSL laboratory as part of a predisposition screen in an ostensibly healthy population. It had not been previously curated by ICSL or reported in the Human Gene Mutation Database (HGMD: prior to June 1st, 2018), and was therefore a candidate for classification through an automated scoring system. Utilizing variant allele frequency, disease prevalence and penetrance estimates, and inheritance mode, an automated score was calculated to assess if this variant is too frequent to cause the disease. Based on the score and internal cut-off values, a variant classified as likely benign is not then subjected to further curation. The score for this variant resulted in a classification of likely benign for this disease.

Eurofins Ntd Llc (ga)
Classification: Uncertain significance. Last evaluated: 2017-06-06. Review status: criteria provided, single submitter. Criteria: EGL Classification Definitions 2015. Collection method: clinical testing. Allele origin: germline. Observed: 6 variant alleles, 6 heterozygotes.

Labcorp Genetics (formerly Invitae), Labcorp
Classification: Uncertain significance for Dilated cardiomyopathy 1G; Autosomal recessive limb-girdle muscular dystrophy type 2J. Last evaluated: 2017-05-08. Review status: criteria provided, single submitter. Criteria: Invitae Variant Classification Sherloc (09022015). Collection method: clinical testing. Allele origin: germline.

Biesecker Lab/Clinical Genomics Section, National Institutes of Health
Classification: Uncertain significance. Last evaluated: 2013-06-24. Review status: criteria provided, single submitter. Criteria: Ng et al. (Circ Cardiovasc Genet. 2013). Collection method: research. Allele origin: unknown. Observed: 1 variant allele. Study: ClinSeq.
Comment: The study set was not selected for affection status in relation to any cancer. Pathogenicity categories were based on literature curation. See Pubmed ID:23861362 for details.

Medical sequencing

Clinical Genetics, Academic Medical Center
Classification: Uncertain significance. Review status: no assertion criteria provided. Collection method: clinical testing. Allele origin: germline. Affected: yes. Study: VKGL Data-share Consensus. Not counted in ClinVar's aggregate classification.

Diagnostic Laboratory, Department of Genetics, University Medical Center Groningen
Classification: Uncertain significance. Review status: no assertion criteria provided. Collection method: clinical testing. Allele origin: germline. Affected: yes. Study: VKGL Data-share Consensus. Not counted in ClinVar's aggregate classification.

Joint Genome Diagnostic Labs from Nijmegen and Maastricht, Radboudumc and MUMC+
Classification: Uncertain significance. Review status: no assertion criteria provided. Collection method: clinical testing. Allele origin: germline. Affected: yes. Study: VKGL Data-share Consensus. Not counted in ClinVar's aggregate classification.

NM_001267550.2(TTN):c.25877A>G (p.Asn8626Ser)

Gene: TTN (titin; minus strand). Cytogenetic location: 2q31.2.
Variant type: single nucleotide variant.
Coding change: c.25877A>G on transcript NM_001267550.2 (MANE Select); coding-DNA position 25877, A replaced by G.
Protein change: p.Asn8626Ser; replaces asparagine 8626 with serine.
Molecular consequence: missense variant. On other transcripts: intron variant (3).
Genome position (GRCh38, 1-based): chr2:178,715,537, T>C on the plus strand (A>G on the coding strand, the complement: TTN is on the minus strand). VCF-style: chr2-178715537-T-C. GRCh37 (hg19) VCF-style: chr2-179580264-T-C.
Other names: p.N8309S:AAT>AGT; c.24926A>G, p.Asn8309Ser (NM_001256850.1); c.22145A>G, p.Asn7382Ser (NM_133378.4); c.13282+22545A>G (NM_003319.4); c.13858+22545A>G (NM_133437.4); c.13657+22545A>G (NM_133432.3); c.25877A>G (LRG_391t1); short protein forms N7382S, N8626S, N8309S.
Identifiers: ClinVar variation 192008 (VCV000192008.28), dbSNP rs200355367, ClinGen allele CA302503.